The following is an entry in ClinVar:

ClinVar aggregate classification (germline): Uncertain significance. Review status: criteria provided, single submitter (1 of 4 stars). 2 submissions from 2 submitters: Uncertain significance (1). 1 of the submissions does not count toward it. Last evaluated 2024-01-31.

Conditions:
Usher syndrome type 1C. Also called: USHER SYNDROME, TYPE I, ACADIAN VARIETY. Identifiers: Orphanet 231169, Orphanet 886, MedGen C1848604, MONDO:0010171, OMIM 276904.

Allele frequency attached by ClinVar (database versions not stated): gnomAD exomes 0.00002; TOPMed 0.00002; ExAC 0.00004.
gnomAD v4.1: 1 of 1,612,948 alleles (0.000062%); highest among the groups gnomAD compares: East Asian, 0.0022%; no homozygotes.

Submissions (2):

Labcorp Genetics (formerly Invitae), Labcorp
Classification: Uncertain significance. Last evaluated: 2024-01-31. Review status: criteria provided, single submitter. Criteria: Invitae Variant Classification Sherloc (09022015). Collection method: clinical testing. Allele origin: germline.
Comment: This sequence change replaces glutamic acid, which is acidic and polar, with lysine, which is basic and polar, at codon 461 of the USH1C protein (p.Glu461Lys). This variant is present in population databases (rs771504780, gnomAD 0.04%). This variant has not been reported in the literature in individuals affected with USH1C-related conditions. ClinVar contains an entry for this variant (Variation ID: 845989). An algorithm developed to predict the effect of missense changes on protein structure and function (PolyPhen-2) suggests that this variant is likely to be tolerated. Algorithms developed to predict the effect of sequence changes on RNA splicing suggest that this variant may disrupt the consensus splice site. In summary, the available evidence is currently insufficient to determine the role of this variant in disease. Therefore, it has been classified as a Variant of Uncertain Significance.

Natera, Inc.
Classification: Uncertain significance for Usher syndrome type 1C. Last evaluated: 2020-09-16. Review status: no assertion criteria provided. Collection method: clinical testing. Allele origin: germline. Not counted in ClinVar's aggregate classification.

NM_153676.4(USH1C):c.2281G>A (p.Glu761Lys)

Gene: USH1C (USH1 protein network component harmonin; minus strand). Cytogenetic location: 11p15.1.
Variant type: single nucleotide variant.
Coding change: c.2281G>A on transcript NM_153676.4 (MANE Select); coding-DNA position 2281, G replaced by A.
Protein change: p.Glu761Lys; replaces glutamic acid 761 with lysine.
Molecular consequence: missense variant. On other transcripts: non-coding transcript variant (1).
Genome position (GRCh38, 1-based): chr11:17,501,150, C>T on the plus strand (G>A on the coding strand, the complement: USH1C is on the minus strand). VCF-style: chr11-17501150-C-T. GRCh37 (hg19) VCF-style: chr11-17522697-C-T.
Other names: c.1324G>A, p.Glu442Lys (NM_001297764.2); c.1381G>A, p.Glu461Lys (NM_005709.4); short protein forms E761K, E461K, E442K.
Identifiers: ClinVar variation 845989 (VCV000845989.10), dbSNP rs771504780, ClinGen allele CA5904229.
Genomic context (GRCh38, chr11:17,501,150, plus strand): 5'-CGACCACCTTCCCAATGGGGGAGTCCACACCGCCTTCCAGGGCCAGGTCTAAGGATCCCT[C>T]CTGGTTAGAGGAAAACAGGCCTTAGGGAGCCAAGCAGACAGCAGCCTGTGGACACCTGGG-3'
Protein context (NP_710142.1, residues 751-771): KDVRLLRIKK[Glu761Lys]GSLDLALEGG